The following is an entry in ClinVar:

NM_001260.3(CDK8):c.583G>T (p.Val195Phe)

Gene: CDK8 (cyclin dependent kinase 8; plus strand). Cytogenetic location: 13q12.13.
Variant type: single nucleotide variant.
Coding change: c.583G>T on transcript NM_001260.3 (MANE Select); coding-DNA position 583, G replaced by T.
Protein change: p.Val195Phe; replaces valine 195 with phenylalanine.
Molecular consequence: missense variant.
Genome position (GRCh38, 1-based): chr13:26,385,279, G>T. VCF-style: chr13-26385279-G-T. GRCh37 (hg19) VCF-style: chr13-26959416-G-T.
Other names: c.583G>T, p.Val195Phe (NM_001318368.2); c.64G>T, p.Val22Phe (NM_001346501.2); short protein forms V195F, V22F.
Identifiers: ClinVar variation 1705513 (VCV001705513.1), dbSNP rs2138050416, ClinGen allele CA387685380.
Genomic context (GRCh38, chr13:26,385,279, plus strand): 5'-GGCTTTGCCCGATTATTTAATTCACCTTTGAAGCCTTTAGCAGATTTGGATCCAGTGGTT[G>T]TTACATTCTGGTACCGAGCCCCTGAACTACTTCTTGGAGCAAGGCATTATACCAAAGCTA-3'
Protein context (NP_001251.1, residues 185-205): KPLADLDPVV[Val195Phe]TFWYRAPELL

ClinVar aggregate classification (germline): Uncertain significance (1 of 4 stars; one submission).

Conditions:
Intellectual developmental disorder with hypotonia and behavioral abnormalities. Identifiers: MedGen C5231489, MONDO:0032897, OMIM 618748.

Submission:

3billion
Classification: Uncertain significance for Intellectual developmental disorder with hypotonia and behavioral abnormalities. Last evaluated: 2022-09-01. Review status: criteria provided, single submitter. Criteria: ACMG Guidelines, 2015. Collection method: clinical testing. Allele origin: germline. Affected: yes. Observed: 1 heterozygote.
Comment: The variant is not observed in the gnomAD v2.1.1 dataset. Missense changes are a common disease-causing mechanism. In silico tool predictions suggest damaging effect of the variant on gene or gene product (REVEL: 0.79; 3Cnet: 0.97). Therefore, this variant is classified as uncertain significance according to the recommendation of ACMG/AMP guideline.